The following is an entry in ClinVar:

ClinVar aggregate classification (germline): Uncertain significance (1 of 4 stars; one submission).

Conditions:
Inborn genetic diseases. Identifiers: MedGen C0950123, MeSH D030342.

Submission:

Ambry Genetics
Classification: Uncertain significance for Inborn genetic diseases. Last evaluated: 2025-08-10. Review status: criteria provided, single submitter. Criteria: Ambry Variant Classification Scheme 2023. Collection method: clinical testing. Allele origin: germline.
Comment: The p.A74T variant (also known as c.220G>A), located in coding exon 2 of the SBDS gene, results from a G to A substitution at nucleotide position 220. The alanine at codon 74 is replaced by threonine, an amino acid with similar properties. This amino acid position is conserved. In addition, the in silico prediction for this alteration is inconclusive. Based on the available evidence, the clinical significance of this variant remains unclear.

NM_016038.4(SBDS):c.220G>A (p.Ala74Thr)

Gene: SBDS (SBDS ribosome maturation factor; minus strand). Cytogenetic location: 7q11.21.
Variant type: single nucleotide variant.
Coding change: c.220G>A on transcript NM_016038.4 (MANE Select); coding-DNA position 220, G replaced by A.
Protein change: p.Ala74Thr; replaces alanine 74 with threonine.
Molecular consequence: missense variant.
Genome position (GRCh38, 1-based): chr7:66,994,250, C>T on the plus strand (G>A on the coding strand, the complement: SBDS is on the minus strand). VCF-style: chr7-66994250-C-T. GRCh37 (hg19) VCF-style: chr7-66459237-C-T.
Other names: short protein forms A74T.
Identifiers: ClinVar variation 4159820 (VCV004159820.1).